The following is an entry in ClinVar:

ClinVar aggregate classification (germline): Pathogenic (1 of 4 stars; one submission).

Conditions:
Intellectual developmental disorder with autism and macrocephaly. Also called: Autism, susceptibility to, 18; CHD8-Related Neurodevelopmental Disorder with Overgrowth. Identifiers: Orphanet 642675, MedGen C3554373, MONDO:0014017, OMIM 615032.

Submission:

Variantyx, Inc.
Classification: Pathogenic for Intellectual developmental disorder with autism and macrocephaly. Last evaluated: 2025-07-19. Review status: criteria provided, single submitter. Criteria: Variantyx Assertion Criteria 2022. Collection method: clinical testing. Allele origin: de novo. Inheritance: Autosomal dominant inheritance. Affected: yes.
Comment: This is a nonsense variant in the CHD8 gene (OMIM: 610528). Pathogenic variants in this gene have been associated with autosomal dominant intellectual developmental disorder with autism and macrocephaly. This variant introduces a premature termination codon in exon 4 out of 38 and is expected to result in loss of function, which is a known disease mechanism for CHD8 in this disorder (PMID: 23160955, 24998929, 27824329) (PVS1). This variant is absent from control populations (PM2) and it has not been reported in individuals with CHD8-related disorders in the databases available for review. Based on the current evidence, this variant is classified as pathogenic for autosomal dominant intellectual developmental disorder with autism and macrocephaly.

Literature cited by the submitters: PubMed 23160955; PubMed 24998929; PubMed 27824329.

NM_001170629.2(CHD8):c.1363C>T (p.Gln455Ter)

Gene: CHD8 (chromodomain helicase DNA binding protein 8; minus strand). Cytogenetic location: 14q11.2.
Variant type: single nucleotide variant.
Coding change: c.1363C>T on transcript NM_001170629.2 (MANE Select); coding-DNA position 1363, C replaced by T.
Protein change: p.Gln455Ter; replaces glutamine 455 with a stop codon.
Molecular consequence: nonsense.
Genome position (GRCh38, 1-based): chr14:21,428,107, G>A on the plus strand (C>T on the coding strand, the complement: CHD8 is on the minus strand). VCF-style: chr14-21428107-G-A. GRCh37 (hg19) VCF-style: chr14-21896266-G-A.
Other names: c.526C>T, p.Gln176Ter (NM_020920.4); short protein forms Q176*, Q455*.
Identifiers: ClinVar variation 4849967 (VCV004849967.1).